The following is an entry in ClinVar:

ClinVar aggregate classification (germline): Uncertain significance (1 of 4 stars; one submission).

Allele frequency attached by ClinVar (database versions not stated): TOPMed below 0.00001; ExAC 0.00001.
gnomAD v4.1: 13 of 1,614,002 alleles (0.00081%); highest among the groups gnomAD compares: Middle Eastern, 0.017%; no homozygotes.

Submission:

Mayo Clinic Laboratories, Mayo Clinic
Classification: Uncertain significance. Last evaluated: 2023-05-17. Review status: criteria provided, single submitter. Criteria: ACMG Guidelines, 2015. Collection method: clinical testing. Allele origin: germline. Observed: 1 variant allele.
Comment: PP3, PM2

NM_198999.3(SLC26A5):c.706C>T (p.Arg236Trp)

Gene: SLC26A5 (solute carrier family 26 member 5; minus strand). Cytogenetic location: 7q22.1.
Variant type: single nucleotide variant.
Coding change: c.706C>T on transcript NM_198999.3 (MANE Select); coding-DNA position 706, C replaced by T.
Protein change: p.Arg236Trp; replaces arginine 236 with tryptophan.
Molecular consequence: missense variant. On other transcripts: non-coding transcript variant (5).
Genome position (GRCh38, 1-based): chr7:103,410,414, G>A on the plus strand (C>T on the coding strand, the complement: SLC26A5 is on the minus strand). VCF-style: chr7-103410414-G-A. GRCh37 (hg19) VCF-style: chr7-103050861-G-A.
Other names: p.Arg236Trp; c.706C>T, p.Arg236Trp (NM_001167962.2, NM_001321787.2, NM_206883.3 and 2 more transcripts); short protein forms R236W.
Identifiers: ClinVar variation 2682989 (VCV002682989.1), dbSNP rs759714876, ClinGen allele CA4419732.
Genomic context (GRCh38, chr7:103,410,414, plus strand): 5'-GTACCAGAACGTCAGGTAGTTTCTTACTTACATACACCACGGAAAAGATTCCACTGTACC[G>A]CTTTGTTTTAACTCCAAACAGATATTTTAACATGGAGGTGAAGACATGCACAGCTGCTGC-3'
Protein context (NP_945350.1, residues 226-246): LKYLFGVKTK[Arg236Trp]YSGIFSVVYS